The following is an entry in ClinVar:

ClinVar aggregate classification (germline): Uncertain significance (1 of 4 stars; one submission).

Submission:

GeneDx
Classification: Uncertain significance. Last evaluated: 2026-04-17. Review status: criteria provided, single submitter. Criteria: GeneDx Variant Classification Process June 2021. Collection method: clinical testing. Allele origin: germline.
Comment: Not observed at significant frequency in large population cohorts (gnomAD); In silico analysis supports that this missense variant does not alter protein structure/function; Has not been previously published as pathogenic or benign to our knowledge; This variant is associated with the following publications: (PMID: 27535533)

NM_031407.7(HUWE1):c.3861T>G (p.Ile1287Met)

Genes: HUWE1 (HECT, UBA and WWE domain containing E3 ubiquitin protein ligase 1; minus strand), LOC126863263 (BRD4-independent group 4 enhancer GRCh37_chrX:53619238-53620437; plus strand). Cytogenetic location: Xp11.22.
Variant type: single nucleotide variant.
Coding change: c.3861T>G on transcript NM_031407.7 (MANE Select); coding-DNA position 3861, T replaced by G.
Protein change: p.Ile1287Met; replaces isoleucine 1287 with methionine.
Molecular consequence: missense variant.
Genome position (GRCh38, 1-based): chrX:53,592,509, A>C on the plus strand (T>G on the coding strand, the complement: HUWE1 is on the minus strand). VCF-style: chrX-53592509-A-C. GRCh37 (hg19) VCF-style: chrX-53619469-A-C.
Other names: c.3861T>G, p.Ile1287Met (NM_001441048.1, NM_001441049.1, NM_001441051.1 and 6 more transcripts); c.3882T>G, p.Ile1294Met (NM_001441050.1, NM_001441055.1); short protein forms I1287M, I1294M.
Identifiers: ClinVar variation 5037727 (VCV005037727.1).